The following is an entry in ClinVar:

ClinVar aggregate classification (germline): Uncertain significance (1 of 4 stars; one submission).

Allele frequency attached by ClinVar (database versions not stated): gnomAD 0.00001; gnomAD exomes 0.00002; ExAC 0.00005; 1000 Genomes Project 30x 0.00016; 1000 Genomes Project 0.00020.
gnomAD v4.1: 33 of 1,614,172 alleles (0.002%); highest among the groups gnomAD compares: South Asian, 0.036%; no homozygotes.

Submission:

Labcorp Genetics (formerly Invitae), Labcorp
Classification: Uncertain significance. Last evaluated: 2022-10-13. Review status: criteria provided, single submitter. Criteria: Invitae Variant Classification Sherloc (09022015). Collection method: clinical testing. Allele origin: germline.
Comment: This sequence change replaces aspartic acid, which is acidic and polar, with histidine, which is basic and polar, at codon 261 of the TANGO2 protein (p.Asp261His). This variant is present in population databases (rs568261903, gnomAD 0.03%). This variant has not been reported in the literature in individuals affected with TANGO2-related conditions. Algorithms developed to predict the effect of missense changes on protein structure and function are either unavailable or do not agree on the potential impact of this missense change (SIFT: "Not Available"; PolyPhen-2: "Probably Damaging"; Align-GVGD: "Not Available"). In summary, the available evidence is currently insufficient to determine the role of this variant in disease. Therefore, it has been classified as a Variant of Uncertain Significance.

NM_152906.7(TANGO2):c.781G>C (p.Asp261His)

Gene: TANGO2 (transport and golgi organization 2 homolog; plus strand). Cytogenetic location: 22q11.21.
Variant type: single nucleotide variant.
Coding change: c.781G>C on transcript NM_152906.7 (MANE Select); coding-DNA position 781, G replaced by C.
Protein change: p.Asp261His; replaces aspartic acid 261 with histidine.
Molecular consequence: missense variant. On other transcripts: 3 prime UTR variant (7), non-coding transcript variant (5).
Genome position (GRCh38, 1-based): chr22:20,064,612, G>C. VCF-style: chr22-20064612-G-C. GRCh37 (hg19) VCF-style: chr22-20052135-G-C.
Other names: c.781G>C, p.Asp261His (NM_001283106.3, NM_001283116.3); c.904G>C, p.Asp302His (NM_001283129.3, NM_001322143.2); c.*20G>C (NM_001283148.3, NM_001283154.3, NM_001322144.2 and 2 more transcripts); c.595G>C, p.Asp199His (NM_001283179.3, NM_001283186.3, NM_001322163.2 and 2 more transcripts); c.556G>C, p.Asp186His (NM_001283199.3); c.*48G>C (NM_001283215.3); c.487G>C, p.Asp163His (NM_001283235.3, NM_001322171.2, NM_001322172.2 and 3 more transcripts); c.*117G>C (NM_001283248.3); and 6 more; short protein forms D163H, D186H, D279H, D261H, D313H, D199H, D215H, D227H.
Identifiers: ClinVar variation 1955758 (VCV001955758.2), dbSNP rs568261903, ClinGen allele CA10106581.
Genomic context (GRCh38, chr22:20,064,612, plus strand): 5'-ATCATCCTGGTAGATGCGGACGGCCACGTGACCTTCACTGAGCGTAGCATGATGGACAAG[G>C]ACCTCTCCCACTGGGAGACCAGAACCTATGAGTTCACACTGCAGAGCTAACCCCACCTCT-3'
Protein context (NP_690870.3, residues 251-271): TFTERSMMDK[Asp261His]LSHWETRTYE